The following is an entry in ClinVar:

NM_005859.5(PURA):c.424del (p.Ala142fs)

Genes: PURA (purine rich element binding protein A; plus strand), LOC129994826 (ATAC-STARR-seq lymphoblastoid active region 23260; plus strand). Cytogenetic location: 5q31.3.
Variant type: Deletion.
Coding change: c.424del on transcript NM_005859.5 (MANE Select); coding-DNA position 424, one base deleted (G; older notation c.424delG).
Protein change: p.Ala142fs; shifts the reading frame from alanine 142.
Molecular consequence: frameshift variant.
Genome position (GRCh38, 1-based): chr5:140,114,605, G deleted; the last of 3 consecutive G bases (chr5:140,114,603-140,114,605); deleting any one gives the same sequence. VCF-style (leftmost placement, unchanged base first): chr5-140114602-CG-C. GRCh37 (hg19) VCF-style: chr5-139494187-CG-C.
Other names: short protein forms A142fs.
Identifiers: ClinVar variation 4852629 (VCV004852629.2).

ClinVar aggregate classification (germline): Likely pathogenic (1 of 4 stars; one submission).

Submission:

Dasa
Classification: Likely pathogenic. Last evaluated: 2024-09-12. Review status: criteria provided, single submitter. Criteria: DASA Assertion Criteria. Collection method: clinical testing. Allele origin: germline.
Comment: NM_005859.5(PURA):c.424del (p.Ala142Argfs*83) is a frameshift variant in PURA predicted to alter the reading frame and introduce a premature termination codon and is predicted to result in an absent or altered protein product. Loss of function is an established disease mechanism for PURA (PMID: 25342064; PMID: 25439098; PMID: 27148565). Also, this variant is absent from population databases. Based on the currently available evidence, this variant is classified as likely pathogenic.

Literature cited by the submitters: PubMed 25342064; PubMed 25439098; PubMed 27148565.